The following is an entry in ClinVar:

ClinVar aggregate classification (germline): Uncertain significance (1 of 4 stars; one submission).

Submission:

Labcorp Genetics (formerly Invitae), Labcorp
Classification: Uncertain significance. Last evaluated: 2023-10-17. Review status: criteria provided, single submitter. Criteria: Invitae Variant Classification Sherloc (09022015). Collection method: clinical testing. Allele origin: germline.
Comment: This sequence change replaces tryptophan, which is neutral and slightly polar, with arginine, which is basic and polar, at codon 101 of the TUBB2A protein (p.Trp101Arg). This variant is not present in population databases (gnomAD no frequency). This variant has not been reported in the literature in individuals affected with TUBB2A-related conditions. Advanced modeling of protein sequence and biophysical properties (such as structural, functional, and spatial information, amino acid conservation, physicochemical variation, residue mobility, and thermodynamic stability) performed at Invitae indicates that this missense variant is expected to disrupt TUBB2A protein function. In summary, the available evidence is currently insufficient to determine the role of this variant in disease. Therefore, it has been classified as a Variant of Uncertain Significance.

NM_001069.3(TUBB2A):c.301T>A (p.Trp101Arg)

Gene: TUBB2A (tubulin beta 2A class IIa; minus strand). Cytogenetic location: 6p25.2.
Variant type: single nucleotide variant.
Coding change: c.301T>A on transcript NM_001069.3 (MANE Select); coding-DNA position 301, T replaced by A.
Protein change: p.Trp101Arg; replaces tryptophan 101 with arginine.
Molecular consequence: missense variant.
Genome position (GRCh38, 1-based): chr6:3,154,900, A>T on the plus strand (T>A on the coding strand, the complement: TUBB2A is on the minus strand). VCF-style: chr6-3154900-A-T. GRCh37 (hg19) VCF-style: chr6-3155134-A-T.
Other names: c.46T>A, p.Trp16Arg (NM_001310315.2); short protein forms W101R, W16R.
Identifiers: ClinVar variation 2735156 (VCV002735156.3), dbSNP rs2533525372, ClinGen allele CA362593053.